The following is an entry in ClinVar:

ClinVar aggregate classification (germline): Likely pathogenic (1 of 4 stars; one submission).

Conditions:
Achondrogenesis, type IA (ACG1A). Identifiers: Orphanet 932, Orphanet 93299, MedGen C0265273, MONDO:0008701, OMIM 200600.

gnomAD v4.1: 2 of 1,609,612 alleles (0.00012%); highest among the groups gnomAD compares: Non-Finnish European, 0.00017%; no homozygotes.

Submission:

Labcorp Genetics (formerly Invitae), Labcorp
Classification: Likely pathogenic for Achondrogenesis, type IA. Last evaluated: 2024-04-23. Review status: criteria provided, single submitter. Criteria: Invitae Variant Classification Sherloc (09022015). Collection method: clinical testing. Allele origin: germline.
Comment: This sequence change affects an acceptor splice site in intron 14 of the TRIP11 gene. It is expected to disrupt RNA splicing. Variants that disrupt the donor or acceptor splice site typically lead to a loss of protein function (PMID: 16199547), and loss-of-function variants in TRIP11 are known to be pathogenic (PMID: 20089971, 23956106). This variant is not present in population databases (gnomAD no frequency). This variant has not been reported in the literature in individuals affected with TRIP11-related conditions. Algorithms developed to predict the effect of sequence changes on RNA splicing suggest that this variant may disrupt the consensus splice site. In summary, the currently available evidence indicates that the variant is pathogenic, but additional data are needed to prove that conclusively. Therefore, this variant has been classified as Likely Pathogenic.

Literature cited by the submitters: PubMed 16199547; PubMed 20089971; PubMed 23956106.

NM_004239.4(TRIP11):c.5057-1G>A

Gene: TRIP11 (thyroid hormone receptor interactor 11; minus strand). Cytogenetic location: 14q32.12.
Variant type: single nucleotide variant.
Coding change: c.5057-1G>A on transcript NM_004239.4 (MANE Select); the canonical splice acceptor site of the intron before coding-DNA position 5057, G replaced by A.
Molecular consequence: splice acceptor variant.
Genome position (GRCh38, 1-based): chr14:91,993,913, C>T on the plus strand (G>A on the coding strand, the complement: TRIP11 is on the minus strand). VCF-style: chr14-91993913-C-T. GRCh37 (hg19) VCF-style: chr14-92460257-C-T.
Other names: c.5054-1G>A (NM_001321851.1).
Identifiers: ClinVar variation 2975249 (VCV002975249.3), dbSNP rs2542999715, ClinGen allele CA390645584.